The following is an entry in ClinVar:

ClinVar aggregate classification (germline): Uncertain significance. Review status: criteria provided, multiple submitters, no conflicts (2 of 4 stars). 3 submissions from 3 submitters: Uncertain significance (3). Last evaluated 2025-02-12.

Conditions:
Bardet-Biedl syndrome (BBS). Identifiers: Orphanet 110, MedGen C0752166, MONDO:0015229.
Bardet-Biedl syndrome 9 (BBS9). Identifiers: Orphanet 110, MedGen C1859567, MONDO:0014437, OMIM 615986.
Inborn genetic diseases. Identifiers: MedGen C0950123, MeSH D030342.

Allele frequency attached by ClinVar (database versions not stated): gnomAD exomes below 0.00001; gnomAD 0.00001.
gnomAD v4.1: 7 of 1,613,560 alleles (0.00043%); highest among the groups gnomAD compares: Middle Eastern, 0.016%; no homozygotes.

Submissions (3):

Ambry Genetics
Classification: Uncertain significance for Inborn genetic diseases. Last evaluated: 2025-02-12. Review status: criteria provided, single submitter. Criteria: Ambry Variant Classification Scheme 2023. Collection method: clinical testing. Allele origin: germline.

Labcorp Genetics (formerly Invitae), Labcorp
Classification: Uncertain significance for Bardet-Biedl syndrome. Last evaluated: 2022-10-28. Review status: criteria provided, single submitter. Criteria: Invitae Variant Classification Sherloc (09022015). Collection method: clinical testing. Allele origin: germline.
Comment: This sequence change replaces isoleucine, which is neutral and non-polar, with valine, which is neutral and non-polar, at codon 345 of the BBS9 protein (p.Ile345Val). This variant is present in population databases (no rsID available, gnomAD 0.0009%). This variant has not been reported in the literature in individuals affected with BBS9-related conditions. ClinVar contains an entry for this variant (Variation ID: 1486717). Advanced modeling of protein sequence and biophysical properties (such as structural, functional, and spatial information, amino acid conservation, physicochemical variation, residue mobility, and thermodynamic stability) performed at Invitae indicates that this missense variant is not expected to disrupt BBS9 protein function. In summary, the available evidence is currently insufficient to determine the role of this variant in disease. Therefore, it has been classified as a Variant of Uncertain Significance.

Fulgent Genetics
Classification: Uncertain significance for Bardet-Biedl syndrome 9. Last evaluated: 2022-03-11. Review status: criteria provided, single submitter. Criteria: ACMG Guidelines, 2015. Collection method: clinical testing. Allele origin: unknown.

NM_198428.3(BBS9):c.1033A>G (p.Ile345Val)

Gene: BBS9 (Bardet-Biedl syndrome 9; plus strand). Cytogenetic location: 7p14.3.
Variant type: single nucleotide variant.
Coding change: c.1033A>G on transcript NM_198428.3 (MANE Select); coding-DNA position 1033, A replaced by G.
Protein change: p.Ile345Val; replaces isoleucine 345 with valine.
Molecular consequence: missense variant. On other transcripts: non-coding transcript variant (3).
Genome position (GRCh38, 1-based): chr7:33,336,457, A>G. VCF-style: chr7-33336457-A-G. GRCh37 (hg19) VCF-style: chr7-33376069-A-G.
Other names: c.1033A>G, p.Ile345Val (NM_001033604.2, NM_001033605.2, NM_001348036.1 and 5 more transcripts); c.667A>G, p.Ile223Val (NM_001348037.3, NM_001348044.3, NM_001348045.3 and 1 more transcripts); c.760A>G, p.Ile254Val (NM_001348038.3, NM_001348039.3); c.898A>G, p.Ile300Val (NM_001348042.3); c.1033A>G (NM_198428.2); short protein forms I300V, I345V, I254V, I223V.
Identifiers: ClinVar variation 1486717 (VCV001486717.5), dbSNP rs1426530664, ClinGen allele CA367254058.